The following is an entry in ClinVar:

ClinVar aggregate classification (germline): Conflicting classifications of pathogenicity. Review status: criteria provided, conflicting classifications (1 of 4 stars). 5 submissions from 5 submitters: Uncertain significance (1); Benign (1); Likely benign (3). Last evaluated 2025-04-11.

Conditions:
Hereditary cancer-predisposing syndrome. Also called: Tumor predisposition; Neoplastic Syndromes, Hereditary; Hereditary Cancer Syndrome; Hereditary neoplastic syndrome. Identifiers: Orphanet 140162, MedGen C0027672, MeSH D009386, MONDO:0015356.
Tuberous sclerosis syndrome (TSC). Also called: Tuberous Sclerosis Complex; Tuberous sclerosis. Identifiers: Orphanet 805, MedGen C0041341, MONDO:0001734.
Tuberous sclerosis 1 (TSC1). Identifiers: Orphanet 805, MedGen C1854465, MONDO:0008612, OMIM 191100.

Allele frequency attached by ClinVar (database versions not stated): gnomAD exomes below 0.00001; gnomAD 0.00001.
gnomAD v4.1: 3 of 1,613,996 alleles (0.00019%); highest among the groups gnomAD compares: South Asian, 0.0011%; no homozygotes.

Submissions (5):

Labcorp Genetics (formerly Invitae), Labcorp
Classification: Likely benign for Tuberous sclerosis 1. Last evaluated: 2025-04-11. Review status: criteria provided, single submitter. Criteria: Invitae Variant Classification Sherloc (09022015). Collection method: clinical testing. Allele origin: germline.

Myriad Genetics, Inc.
Classification: Benign for Tuberous sclerosis 1. Last evaluated: 2025-04-08. Review status: criteria provided, single submitter. Criteria: Myriad Autosomal Dominant, Autosomal Recessive and X-Linked Classification Criteria (2023). Collection method: clinical testing. Allele origin: unknown.
Comment: This variant is considered benign. This variant is a silent/synonymous amino acid change and it is not expected to impact splicing.

GeneDx
Classification: Uncertain significance. Last evaluated: 2024-04-23. Review status: criteria provided, single submitter. Criteria: GeneDx Variant Classification Process June 2021. Collection method: clinical testing. Allele origin: germline. Affected: yes.
Comment: Not observed at significant frequency in large population cohorts (gnomAD); Has not been previously published as pathogenic or benign to our knowledge; In silico analysis suggests this variant may impact gene splicing. In the absence of RNA/functional studies, the actual effect of this sequence change is unknown.

All of Us Research Program, National Institutes of Health
Classification: Likely benign for Tuberous sclerosis syndrome. Last evaluated: 2024-02-05. Review status: criteria provided, single submitter. Criteria: ACMG Guidelines, 2015. Collection method: clinical testing. Allele origin: germline. Inheritance: Autosomal dominant inheritance. Observed: 2 variant alleles, 2 heterozygotes.
Comment: This study involves interpretation of variants in research participants for the purpose of population health screening. Participant phenotype was not available at the time of variant classification. Additional details can be found in publication PMID: 35346344, PMCID: PMC8962531

Ambry Genetics
Classification: Likely benign for Hereditary cancer-predisposing syndrome. Last evaluated: 2020-07-10. Review status: criteria provided, single submitter. Criteria: Ambry Variant Classification Scheme 2023. Collection method: clinical testing. Allele origin: germline.

NM_000368.5(TSC1):c.771C>T (p.Ile257=)

Gene: TSC1 (TSC complex subunit 1; minus strand). Cytogenetic location: 9q34.13.
Variant type: single nucleotide variant.
Coding change: c.771C>T on transcript NM_000368.5 (MANE Select); coding-DNA position 771, C replaced by T.
Protein change: p.Ile257=; no amino-acid change (isoleucine 257 retained).
Molecular consequence: synonymous variant.
Genome position (GRCh38, 1-based): chr9:132,912,424, G>A on the plus strand (C>T on the coding strand, the complement: TSC1 is on the minus strand). VCF-style: chr9-132912424-G-A. GRCh37 (hg19) VCF-style: chr9-135787811-G-A.
Other names: c.771C>T, p.Ile257= (NM_001162426.2); c.618C>T, p.Ile206= (NM_001162427.2); c.408C>T, p.Ile136= (NM_001362177.2).
Identifiers: ClinVar variation 416659 (VCV000416659.17), dbSNP rs1060504854, ClinGen allele CA16612495.
Genomic context (GRCh38, chr9:132,912,424, plus strand): 5'-CACAGAATAGCCATCTTCATATGAGGCTTCTGTGGGATCCAGAGAGATTTTGGCACACTC[G>A]ATCACAACATCATGAGTTTCTAATCTCTTCCACCTGTAAAATGCAATGAAAGTCAAGAAA-3'
Protein context (NP_000359.1, residues 247-267): WKRLETHDVV[Ile257=]ECAKISLDPT